The following is an entry in ClinVar:

ClinVar aggregate classification (germline): Conflicting classifications of pathogenicity. Review status: criteria provided, conflicting classifications (1 of 4 stars). 2 submissions from 2 submitters: Uncertain significance (1); Likely benign (1). Last evaluated 2025-08-04.

Allele frequency attached by ClinVar (database versions not stated): ExAC 0.00001; gnomAD 0.00001; TOPMed 0.00001; gnomAD exomes 0.00002.
gnomAD v4.1: 24 of 1,613,858 alleles (0.0015%); highest among the groups gnomAD compares: South Asian, 0.0033%; no homozygotes.

Submissions (2):

Labcorp Genetics (formerly Invitae), Labcorp
Classification: Likely benign. Last evaluated: 2025-08-04. Review status: criteria provided, single submitter. Criteria: Invitae Variant Classification Sherloc (09022015). Collection method: clinical testing. Allele origin: germline.

GeneDx
Classification: Uncertain significance. Last evaluated: 2025-01-14. Review status: criteria provided, single submitter. Criteria: GeneDx Variant Classification Process June 2021. Collection method: clinical testing. Allele origin: germline. Affected: yes.
Comment: Not observed at significant frequency in large population cohorts (gnomAD); Has not been previously published as pathogenic or benign to our knowledge; In silico analysis is inconclusive as to whether the variant alters gene splicing. In the absence of RNA/functional studies, the actual effect of this sequence change is unknown.

NM_000391.4(TPP1):c.207G>A (p.Ser69=)

Gene: TPP1 (tripeptidyl peptidase 1; minus strand). Cytogenetic location: 11p15.4.
Variant type: single nucleotide variant.
Coding change: c.207G>A on transcript NM_000391.4 (MANE Select); coding-DNA position 207, G replaced by A.
Protein change: p.Ser69=; no amino-acid change (serine 69 retained).
Molecular consequence: synonymous variant.
Genome position (GRCh38, 1-based): chr11:6,618,798, C>T on the plus strand (G>A on the coding strand, the complement: TPP1 is on the minus strand). VCF-style: chr11-6618798-C-T. GRCh37 (hg19) VCF-style: chr11-6640029-C-T.
Identifiers: ClinVar variation 385469 (VCV000385469.14), dbSNP rs761070664, ClinGen allele CA5859031.